The following is an entry in ClinVar:

ClinVar aggregate classification (germline): Likely pathogenic (1 of 4 stars; one submission).

Conditions:
Primary ciliary dyskinesia. Also called: Ciliary dyskinesia. Identifiers: Orphanet 244, MedGen C0008780, MONDO:0016575, HP:0012265.

Submission:

Labcorp Genetics (formerly Invitae), Labcorp
Classification: Likely pathogenic for Primary ciliary dyskinesia. Last evaluated: 2021-12-18. Review status: criteria provided, single submitter. Criteria: Invitae Variant Classification Sherloc (09022015). Collection method: clinical testing. Allele origin: germline.
Comment: In summary, the currently available evidence indicates that the variant is pathogenic, but additional data are needed to prove that conclusively. Therefore, this variant has been classified as Likely Pathogenic. Algorithms developed to predict the effect of sequence changes on RNA splicing suggest that this variant may disrupt the consensus splice site. This variant has not been reported in the literature in individuals affected with DNAH5-related conditions. This variant is not present in population databases (gnomAD no frequency). This sequence change affects an acceptor splice site in intron 20 of the DNAH5 gene. It is expected to disrupt RNA splicing. Variants that disrupt the donor or acceptor splice site typically lead to a loss of protein function (PMID: 16199547), and loss-of-function variants in DNAH5 are known to be pathogenic (PMID: 11788826, 16627867).

Literature cited by the submitters: PubMed 16199547; PubMed 11788826; PubMed 16627867.

NM_001369.3(DNAH5):c.3175-1G>A

Genes: DNAH5 (dynein axonemal heavy chain 5; minus strand), DNAH5-AS1 (DNAH5 antisense RNA 1; plus strand). Cytogenetic location: 5p15.2.
Variant type: single nucleotide variant.
Coding change: c.3175-1G>A on transcript NM_001369.3 (MANE Select); the canonical splice acceptor site of the intron before coding-DNA position 3175, G replaced by A.
Molecular consequence: splice acceptor variant.
Genome position (GRCh38, 1-based): chr5:13,882,816, C>T on the plus strand (G>A on the coding strand, the complement: DNAH5 is on the minus strand). VCF-style: chr5-13882816-C-T. GRCh37 (hg19) VCF-style: chr5-13882925-C-T.
Identifiers: ClinVar variation 2046386 (VCV002046386.4), dbSNP rs2547030385, ClinGen allele CA359192507.
Genomic context (GRCh38, chr5:13,882,816, plus strand): 5'-ATCAGAATCACTGTCTTCATTACTCTGCAAAGCAGCCATTTTTCTTTCTTGTATCTTTTT[C>T]TACAATGTAAAAGGATATTTTTCAGTTCTGTCCTATCTGTAAAAGAAGTGGTTTCCATAT-3'